The following is an entry in ClinVar:

NM_201253.3(CRB1):c.1258A>G (p.Thr420Ala)

Gene: CRB1 (crumbs cell polarity complex component 1; plus strand). Cytogenetic location: 1q31.3.
Variant type: single nucleotide variant.
Coding change: c.1258A>G on transcript NM_201253.3 (MANE Select); coding-DNA position 1258, A replaced by G.
Protein change: p.Thr420Ala; replaces threonine 420 with alanine.
Molecular consequence: missense variant. On other transcripts: non-coding transcript variant (2).
Genome position (GRCh38, 1-based): chr1:197,421,086, A>G. VCF-style: chr1-197421086-A-G. GRCh37 (hg19) VCF-style: chr1-197390216-A-G.
Other names: c.922A>G, p.Thr308Ala (NM_001193640.2); c.1051A>G, p.Thr351Ala (NM_001257965.2); c.1258A>G, p.Thr420Ala (NM_001257966.2); short protein forms T308A, T420A, T351A.
Identifiers: ClinVar variation 1956599 (VCV001956599.6), dbSNP rs760064017, ClinGen allele CA1311897.

ClinVar aggregate classification (germline): Uncertain significance. Review status: criteria provided, multiple submitters, no conflicts (2 of 4 stars). 2 submissions from 2 submitters: Uncertain significance (2). Last evaluated 2022-08-02.

Conditions:
Retinitis pigmentosa 12 (RP12). Also called: RP WITH OR WITHOUT PPRPE; RP WITH OR WITHOUT PRESERVED PARAARTERIOLE RETINAL PIGMENT EPITHELIUM; RETINITIS PIGMENTOSA WITH OR WITHOUT PARAARTERIOLAR PRESERVATION OF RETINAL PIGMENT EPITHELIUM. Identifiers: Orphanet 791, MedGen C1838647, MONDO:0010818, OMIM 600105.
Leber congenital amaurosis 8 (LCA8). Identifiers: Orphanet 65, MedGen C3151202, MONDO:0013453, OMIM 613835.

Allele frequency attached by ClinVar (database versions not stated): gnomAD exomes below 0.00001; ExAC 0.00001.
gnomAD v4.1: 3 of 1,614,228 alleles (0.00019%); highest among the groups gnomAD compares: Non-Finnish European, 0.00025%; no homozygotes.

Submissions (2):

Labcorp Genetics (formerly Invitae), Labcorp
Classification: Uncertain significance for Leber congenital amaurosis 8; Retinitis pigmentosa 12. Last evaluated: 2022-08-02. Review status: criteria provided, single submitter. Criteria: Invitae Variant Classification Sherloc (09022015). Collection method: clinical testing. Allele origin: germline.
Comment: This sequence change replaces threonine, which is neutral and polar, with alanine, which is neutral and non-polar, at codon 420 of the CRB1 protein (p.Thr420Ala). In summary, the available evidence is currently insufficient to determine the role of this variant in disease. Therefore, it has been classified as a Variant of Uncertain Significance. Advanced modeling of protein sequence and biophysical properties (such as structural, functional, and spatial information, amino acid conservation, physicochemical variation, residue mobility, and thermodynamic stability) performed at Invitae indicates that this missense variant is not expected to disrupt CRB1 protein function. This variant has not been reported in the literature in individuals affected with CRB1-related conditions. This variant is present in population databases (rs760064017, gnomAD 0.002%).

Blueprint Genetics
Classification: Uncertain significance. Last evaluated: 2020-10-28. Review status: criteria provided, single submitter. Criteria: ACMG Guidelines, 2015. Collection method: clinical testing. Allele origin: germline.